The following is an entry in ClinVar:

ClinVar aggregate classification (germline): Uncertain significance. Review status: criteria provided, multiple submitters, no conflicts (2 of 4 stars). 2 submissions from 2 submitters: Uncertain significance (2). Last evaluated 2025-12-06.

Conditions:
Autosomal recessive ataxia, Beauce type. Also called: Spinocerebellar ataxia, autosomal recessive 8; ATAXIA, RECESSIVE, OF BEAUCE; SYNE1 Deficiency; SYNE1-Related Autosomal Recessive Cerebellar Ataxia. Identifiers: Orphanet 88644, MedGen C1853116, MONDO:0012549, OMIM 610743.
Emery-Dreifuss muscular dystrophy 4, autosomal dominant (EDMD4). Also called: EMERY-DREIFUSS MUSCULAR DYSTROPHY 4 WITH VARIABLE FEATURES. Identifiers: Orphanet 261, MedGen C2751807, MONDO:0013071, OMIM 612998.

Allele frequency attached by ClinVar (database versions not stated): gnomAD exomes below 0.00001; ExAC 0.00001; TOPMed 0.00002; gnomAD 0.00003 and 0.00004.
gnomAD v4.1: 27 of 1,614,050 alleles (0.0017%); highest among the groups gnomAD compares: South Asian, 0.0033%; no homozygotes.

Submissions (2):

Labcorp Genetics (formerly Invitae), Labcorp
Classification: Uncertain significance for Emery-Dreifuss muscular dystrophy 4, autosomal dominant; Autosomal recessive ataxia, Beauce type. Last evaluated: 2025-12-06. Review status: criteria provided, single submitter. Criteria: Invitae Variant Classification Sherloc (09022015). Collection method: clinical testing. Allele origin: germline.
Comment: This sequence change replaces arginine, which is basic and polar, with cysteine, which is neutral and slightly polar, at codon 8309 of the SYNE1 protein (p.Arg8309Cys). This variant is present in population databases (rs755199419, gnomAD 0.0009%). This variant has not been reported in the literature in individuals affected with SYNE1-related conditions. ClinVar contains an entry for this variant (Variation ID: 290359). An algorithm developed to predict the effect of missense changes on protein structure and function (PolyPhen-2) suggests that this variant is likely to be disruptive. In summary, the available evidence is currently insufficient to determine the role of this variant in disease. Therefore, it has been classified as a Variant of Uncertain Significance.

Eurofins Ntd Llc (ga)
Classification: Uncertain significance. Last evaluated: 2016-08-31. Review status: criteria provided, single submitter. Criteria: EGL Classification Definitions 2015. Collection method: clinical testing. Allele origin: germline. Observed: 1 variant allele, 1 heterozygote.

NM_182961.4(SYNE1):c.25069C>T (p.Arg8357Cys)

Gene: SYNE1 (spectrin repeat containing nuclear envelope protein 1; minus strand). Cytogenetic location: 6q25.2.
Variant type: single nucleotide variant.
Coding change: c.25069C>T on transcript NM_182961.4 (MANE Select); coding-DNA position 25069, C replaced by T.
Protein change: p.Arg8357Cys; replaces arginine 8357 with cysteine.
Molecular consequence: missense variant.
Genome position (GRCh38, 1-based): chr6:152,143,673, G>A on the plus strand (C>T on the coding strand, the complement: SYNE1 is on the minus strand). VCF-style: chr6-152143673-G-A. GRCh37 (hg19) VCF-style: chr6-152464808-G-A.
Other names: c.1675C>T, p.Arg559Cys (NM_001347701.2); c.1603C>T, p.Arg535Cys (NM_001347702.2); c.24925C>T, p.Arg8309Cys (NM_033071.5); short protein forms R8309C, R8357C, R535C, R559C.
Identifiers: ClinVar variation 290359 (VCV000290359.10), dbSNP rs755199419, ClinGen allele CA4052963.